The following is an entry in ClinVar:

NM_000455.5(STK11):c.735C>G (p.Leu245=)

Gene: STK11 (serine/threonine kinase 11; plus strand). Cytogenetic location: 19p13.3.
Variant type: single nucleotide variant.
Coding change: c.735C>G on transcript NM_000455.5 (MANE Select); coding-DNA position 735, C replaced by G.
Protein change: p.Leu245=; no amino-acid change (leucine 245 retained).
Molecular consequence: synonymous variant.
Genome position (GRCh38, 1-based): chr19:1,221,213, C>G. VCF-style: chr19-1221213-C-G. GRCh37 (hg19) VCF-style: chr19-1221212-C-G.
Identifiers: ClinVar variation 403792 (VCV000403792.30), dbSNP rs773147894, ClinGen allele CA048876.

ClinVar aggregate classification (germline): Benign/Likely benign. Review status: criteria provided, multiple submitters, no conflicts (2 of 4 stars). 12 submissions from 12 submitters: Benign (1); Likely benign (10). 1 of the submissions does not count toward it. Last evaluated 2026-09-03.

Conditions:
STK11-related disorder. Also called: STK11-related condition.
Hereditary cancer-predisposing syndrome. Also called: Neoplastic Syndromes, Hereditary; Tumor predisposition; Hereditary Cancer Syndrome; Hereditary neoplastic syndrome. Identifiers: Orphanet 140162, MedGen C0027672, MeSH D009386, MONDO:0015356.
Peutz-Jeghers syndrome (PJS). Also called: Peutz-Jeghers polyposis; Periorificial lentiginosis syndrome; POLYPOSIS, HAMARTOMATOUS INTESTINAL; POLYPS-AND-SPOTS SYNDROME. Identifiers: Orphanet 2869, MedGen C0031269, MeSH D010580, MONDO:0008280, OMIM 175200.

Allele frequency attached by ClinVar (database versions not stated): TOPMed 0.00001; gnomAD 0.00002.
gnomAD v4.1: 20 of 1,612,126 alleles (0.0012%); highest among the groups gnomAD compares: East Asian, 0.033%; no homozygotes.

Submissions (12):

PreventionGenetics, part of Exact Sciences
Classification: Likely benign for STK11-related condition. Last evaluated: 2026-09-03. Review status: criteria provided, single submitter. Criteria: ACMG Guidelines, 2015. Collection method: clinical testing. Allele origin: germline.
Comment: This variant is classified as likely benign based on ACMG/AMP sequence variant interpretation guidelines (Richards et al. 2015 PMID: 25741868, with internal and published modifications).

Labcorp Genetics (formerly Invitae), Labcorp
Classification: Likely benign for Peutz-Jeghers syndrome. Last evaluated: 2026-01-06. Review status: criteria provided, single submitter. Criteria: Invitae Variant Classification Sherloc (09022015). Collection method: clinical testing. Allele origin: germline.

ARUP Laboratories, Molecular Genetics and Genomics, ARUP Laboratories
Classification: Likely benign. Last evaluated: 2025-02-26. Review status: criteria provided, single submitter. Criteria: ARUP Molecular Germline Variant Investigation Process 2024. Collection method: clinical testing. Allele origin: germline.

Ambry Genetics
Classification: Likely benign for Hereditary cancer-predisposing syndrome. Last evaluated: 2025-01-31. Review status: criteria provided, single submitter. Criteria: Ambry Variant Classification Scheme 2023. Collection method: clinical testing. Allele origin: germline.

All of Us Research Program, National Institutes of Health
Classification: Likely benign for Peutz-Jeghers syndrome. Last evaluated: 2023-09-17. Review status: criteria provided, single submitter. Criteria: ACMG Guidelines, 2015. Collection method: clinical testing. Allele origin: germline. Inheritance: Autosomal dominant inheritance. Observed: 3 variant alleles, 3 heterozygotes.
Comment: This study involves interpretation of variants in research participants for the purpose of population health screening. Participant phenotype was not available at the time of variant classification. Additional details can be found in publication PMID: 35346344, PMCID: PMC8962531

Genome-Nilou Lab
Classification: Likely benign for Peutz-Jeghers syndrome. Last evaluated: 2021-07-15. Review status: criteria provided, single submitter. Criteria: ACMG Guidelines, 2015. Collection method: clinical testing. Allele origin: germline. Affected: no.

Sema4
Classification: Likely benign for Hereditary cancer-predisposing syndrome. Last evaluated: 2021-05-05. Review status: criteria provided, single submitter. Criteria: Sema4 Curation Guidelines. Collection method: curation. Allele origin: germline.

Women's Health and Genetics/Laboratory Corporation of America, LabCorp
Classification: Benign. Last evaluated: 2020-05-07. Review status: criteria provided, single submitter. Criteria: LabCorp Variant Classification Summary - May 2015. Collection method: clinical testing. Allele origin: germline.
Comment: Variant summary: STK11 c.735C>G (p.Leu245Leu) alters a non-conserved nucleotide located close to a canonical splice site and therefore could affect mRNA splicing, leading to a significantly altered protein sequence. 4/4 computational tools predict no significant impact on normal splicing. However, these predictions have yet to be confirmed by functional studies. The variant allele was found at a frequency of 6.1e-05 in 247732 control chromosomes, predominantly at a frequency of 0.00078 within the East Asian subpopulation in the gnomAD database. The observed variant frequency within East Asian control individuals in the gnomAD database is approximately 125- fold the estimated maximal expected allele frequency for a pathogenic variant in STK11 causing Peutz-Jeghers Syndrome phenotype (6.3e-06), strongly suggesting that the variant is a benign polymorphism found primarily in populations of East Asian origin. To our knowledge, no occurrence of c.735C>G in individuals affected with Peutz-Jeghers Syndrome and no experimental evidence demonstrating its impact on protein function have been reported. Three clinical diagnostic laboratories have submitted clinical-significance assessments for this variant to ClinVar after 2014 without evidence for independent evaluation. All laboratories classified the variant as likely benign. Based on the evidence outlined above, the variant was classified as benign.

Quest Diagnostics Nichols Institute San Juan Capistrano
Classification: Likely benign. Last evaluated: 2019-12-06. Review status: criteria provided, single submitter. Criteria: Quest Diagnostics criteria. Collection method: clinical testing. Allele origin: unknown.

GeneDx
Classification: Likely benign. Last evaluated: 2019-10-07. Review status: criteria provided, single submitter. Criteria: GeneDx Variant Classification Process June 2021. Collection method: clinical testing. Allele origin: germline. Affected: yes.

Color Diagnostics, LLC DBA Color Health
Classification: Likely benign for Hereditary cancer-predisposing syndrome. Last evaluated: 2016-08-18. Review status: criteria provided, single submitter. Criteria: ACMG Guidelines, 2015. Collection method: clinical testing. Allele origin: germline.

Department of Pathology and Laboratory Medicine, Sinai Health System
Classification: Uncertain significance for Peutz-Jeghers syndrome. Review status: no assertion criteria provided. Collection method: clinical testing. Allele origin: unknown. Affected: yes. Observed: 1 variant allele. Study: The Canadian Open Genetics Repository (COGR). Not counted in ClinVar's aggregate classification.
Comment: The STK11 p.Leu245= variant was not identified in the literature nor was it identified in the Cosmic, LOVD 3.0, Zhejiang University, or Insight Hereditary Tumors database. The variant was identified in the following databases: dbSNP (ID: rs773147894) as "With Uncertain significance allele" and ClinVar (classified as likely benign by Invitae, Ambry Genetics, and Color Genomics). The variant was identified in control databases in 15 of 276326 chromosomes at a frequency of 0.00005 (Genome Aggregation Database Feb 27, 2017). The variant was observed in the following populations: East Asian in 14 of 18858 chromosomes (freq: 0.0007) and Other in 1 of 6434 chromosomes (freq: 0.0002); it was not observed in the African, Latino, European, Ashkenazi Jewish, Finnish, or South Asian populations. The p.Leu245 variant is not expected to have clinical significance because it does not result in a change of amino acid and is not located in a known consensus splice site. However, 4 of 4 in silico or computational prediction software programs (SpliceSiteFinder, MaxEntScan, NNSPLICE, GeneSplicer) predict a greater than 10% difference in splicing. In summary, based on the above information, the clinical significance of this variant cannot be determined with certainty at this time. This variant is classified as a variant of uncertain significance.